The following is an entry in ClinVar:

NM_002241.5(KCNJ10):c.497T>C (p.Leu166Pro)

Gene: KCNJ10 (potassium inwardly rectifying channel subfamily J member 10; minus strand). Cytogenetic location: 1q23.2.
Variant type: single nucleotide variant.
Coding change: c.497T>C on transcript NM_002241.5 (MANE Select); coding-DNA position 497, T replaced by C.
Protein change: p.Leu166Pro; replaces leucine 166 with proline.
Molecular consequence: missense variant.
Genome position (GRCh38, 1-based): chr1:160,042,036, A>G on the plus strand (T>C on the coding strand, the complement: KCNJ10 is on the minus strand). VCF-style: chr1-160042036-A-G. GRCh37 (hg19) VCF-style: chr1-160011826-A-G.
Other names: short protein forms L166P.
Identifiers: ClinVar variation 1683588 (VCV001683588.3), dbSNP rs1130182, ClinGen allele CA343226733.

ClinVar aggregate classification (germline): Uncertain significance. Review status: criteria provided, multiple submitters, no conflicts (2 of 4 stars). 2 submissions from 2 submitters: Uncertain significance (2). Last evaluated 2022-01-29.

Conditions:
EAST syndrome (SESAMES). Also called: SEIZURES, SENSORINEURAL DEAFNESS, ATAXIA, IMPAIRED INTELLECTUAL DEVELOPMENT, AND ELECTROLYTE IMBALANCE. Identifiers: Orphanet 199343, MedGen C2748572, MONDO:0013005, OMIM 612780.

Allele frequency attached by ClinVar (database versions not stated): gnomAD exomes below 0.00001.
gnomAD v4.1: 1 of 1,560,502 alleles (0.000064%); highest among the groups gnomAD compares: Non-Finnish European, 0.000087%; no homozygotes.

Submissions (2):

Laboratorio de Genetica e Diagnostico Molecular, Hospital Israelita Albert Einstein
Classification: Uncertain significance for EAST syndrome. Last evaluated: 2022-01-29. Review status: criteria provided, single submitter. Criteria: ACMG Guidelines, 2015. Collection method: clinical testing. Allele origin: germline. Affected: yes.
Comment: ACMG classification criteria: PM2 moderate, PM3 supporting, PP3 supporting

Blueprint Genetics
Classification: Uncertain significance. Last evaluated: 2019-06-13. Review status: criteria provided, single submitter. Criteria: ACMG Guidelines, 2015. Collection method: clinical testing. Allele origin: germline.